The following is an entry in ClinVar:

NM_006302.3(MOGS):c.925A>G (p.Arg309Gly)

Gene: MOGS (mannosyl-oligosaccharide glucosidase; minus strand). Cytogenetic location: 2p13.1.
Variant type: single nucleotide variant.
Coding change: c.925A>G on transcript NM_006302.3 (MANE Select); coding-DNA position 925, A replaced by G.
Protein change: p.Arg309Gly; replaces arginine 309 with glycine.
Molecular consequence: missense variant.
Genome position (GRCh38, 1-based): chr2:74,462,864, T>C on the plus strand (A>G on the coding strand, the complement: MOGS is on the minus strand). VCF-style: chr2-74462864-T-C. GRCh37 (hg19) VCF-style: chr2-74689991-T-C.
Other names: c.607A>G, p.Arg203Gly (NM_001146158.2); c.925A>G, p.Arg309Gly (LRG_1226t1); short protein forms R309G, R203G.
Identifiers: ClinVar variation 573585 (VCV000573585.10), dbSNP rs1558565949, ClinGen allele CA347378600.

ClinVar aggregate classification (germline): Uncertain significance (1 of 4 stars; one submission).

Conditions:
MOGS-congenital disorder of glycosylation. Also called: GLUCOSIDASE I DEFICIENCY; CDG 2B; CDG IIb; MOGS-CDG. Identifiers: Orphanet 79330, MedGen C1853736, MONDO:0011629, OMIM 606056.

Submission:

Labcorp Genetics (formerly Invitae), Labcorp
Classification: Uncertain significance for MOGS-congenital disorder of glycosylation. Last evaluated: 2019-05-04. Review status: criteria provided, single submitter. Criteria: Invitae Variant Classification Sherloc (09022015). Collection method: clinical testing. Allele origin: germline.
Comment: In summary, the available evidence is currently insufficient to determine the role of this variant in disease. Therefore, it has been classified as a Variant of Uncertain Significance. Algorithms developed to predict the effect of missense changes on protein structure and function (SIFT, PolyPhen-2, Align-GVGD) all suggest that this variant is likely to be tolerated, but these predictions have not been confirmed by published functional studies and their clinical significance is uncertain. This variant has not been reported in the literature in individuals with MOGS-related disease. This variant is not present in population databases (ExAC no frequency). This sequence change replaces arginine with glycine at codon 309 of the MOGS protein (p.Arg309Gly). The arginine residue is moderately conserved and there is a moderate physicochemical difference between arginine and glycine.